The following is an entry in ClinVar:

ClinVar aggregate classification (germline): Uncertain significance (1 of 4 stars; one submission).

Allele frequency attached by ClinVar (database versions not stated): gnomAD exomes below 0.00001.
gnomAD v4.1: 1 of 1,614,126 alleles (0.000062%); highest among the groups gnomAD compares: East Asian, 0.0022%; no homozygotes.

Submission:

Labcorp Genetics (formerly Invitae), Labcorp
Classification: Uncertain significance. Last evaluated: 2023-11-04. Review status: criteria provided, single submitter. Criteria: Invitae Variant Classification Sherloc (09022015). Collection method: clinical testing. Allele origin: germline.
Comment: This sequence change replaces isoleucine, which is neutral and non-polar, with valine, which is neutral and non-polar, at codon 901 of the DSTYK protein (p.Ile901Val). This variant is not present in population databases (gnomAD no frequency). This variant has not been reported in the literature in individuals affected with DSTYK-related conditions. An algorithm developed to predict the effect of missense changes on protein structure and function (PolyPhen-2) suggests that this variant is likely to be tolerated. In summary, the available evidence is currently insufficient to determine the role of this variant in disease. Therefore, it has been classified as a Variant of Uncertain Significance.

NM_015375.3(DSTYK):c.2701A>G (p.Ile901Val)

Gene: DSTYK (dual serine/threonine and tyrosine protein kinase; minus strand). Cytogenetic location: 1q32.1.
Variant type: single nucleotide variant.
Coding change: c.2701A>G on transcript NM_015375.3 (MANE Select); coding-DNA position 2701, A replaced by G.
Protein change: p.Ile901Val; replaces isoleucine 901 with valine.
Molecular consequence: missense variant.
Genome position (GRCh38, 1-based): chr1:205,147,647, T>C on the plus strand (A>G on the coding strand, the complement: DSTYK is on the minus strand). VCF-style: chr1-205147647-T-C. GRCh37 (hg19) VCF-style: chr1-205116775-T-C.
Other names: c.2566A>G, p.Ile856Val (NM_199462.3); short protein forms I856V, I901V.
Identifiers: ClinVar variation 2693158 (VCV002693158.3), dbSNP rs2102372872, ClinGen allele CA344386491.